The following is an entry in ClinVar:

ClinVar aggregate classification (germline): Uncertain significance. Review status: criteria provided, multiple submitters, no conflicts (2 of 4 stars). 2 submissions from 2 submitters: Uncertain significance (2). Last evaluated 2023-08-17.

Conditions:
Ullrich congenital muscular dystrophy 2 (UCMD2). Identifiers: Orphanet 75840, MedGen C4225314, MONDO:0014654, OMIM 616470.
Bethlem myopathy 2 (BTHLM2). Identifiers: Orphanet 536516, Orphanet 610, MedGen C4225313, MONDO:0034022, OMIM 616471.

Allele frequency attached by ClinVar (database versions not stated): gnomAD exomes below 0.00001; ExAC 0.00001.

Submissions (2):

Labcorp Genetics (formerly Invitae), Labcorp
Classification: Uncertain significance for Bethlem myopathy 2; Ullrich congenital muscular dystrophy 2. Last evaluated: 2023-08-17. Review status: criteria provided, single submitter. Criteria: Invitae Variant Classification Sherloc (09022015). Collection method: clinical testing. Allele origin: germline.
Comment: This sequence change replaces histidine, which is basic and polar, with arginine, which is basic and polar, at codon 42 of the COL12A1 protein (p.His42Arg). This variant is present in population databases (rs760445921, gnomAD 0.0009%). In summary, the available evidence is currently insufficient to determine the role of this variant in disease. Therefore, it has been classified as a Variant of Uncertain Significance. Advanced modeling of protein sequence and biophysical properties (such as structural, functional, and spatial information, amino acid conservation, physicochemical variation, residue mobility, and thermodynamic stability) performed at Invitae indicates that this missense variant is not expected to disrupt COL12A1 protein function. ClinVar contains an entry for this variant (Variation ID: 1394801). This variant has not been reported in the literature in individuals affected with COL12A1-related conditions.

Blueprint Genetics
Classification: Uncertain significance. Last evaluated: 2021-06-29. Review status: criteria provided, single submitter. Criteria: ACMG Guidelines, 2015. Collection method: clinical testing. Allele origin: germline.

NM_004370.6(COL12A1):c.125A>G (p.His42Arg)

Gene: COL12A1 (collagen type XII alpha 1 chain; minus strand). Cytogenetic location: 6q13.
Variant type: single nucleotide variant.
Coding change: c.125A>G on transcript NM_004370.6 (MANE Select); coding-DNA position 125, A replaced by G.
Protein change: p.His42Arg; replaces histidine 42 with arginine.
Molecular consequence: missense variant. On other transcripts: intron variant (1).
Genome position (GRCh38, 1-based): chr6:75,194,896, T>C on the plus strand (A>G on the coding strand, the complement: COL12A1 is on the minus strand). VCF-style: chr6-75194896-T-C. GRCh37 (hg19) VCF-style: chr6-75904612-T-C.
Other names: c.73+7824A>G (NM_080645.3); short protein forms H42R.
Identifiers: ClinVar variation 1394801 (VCV001394801.9), dbSNP rs760445921, ClinGen allele CA3894510.